The following is an entry in ClinVar:

NM_001371986.1(UNC80):c.4144G>T (p.Glu1382Ter)

Gene: UNC80 (unc-80 subunit of NALCN channel complex; plus strand). Cytogenetic location: 2q34.
Variant type: single nucleotide variant.
Coding change: c.4144G>T on transcript NM_001371986.1 (MANE Select); coding-DNA position 4144, G replaced by T.
Protein change: p.Glu1382Ter; replaces glutamic acid 1382 with a stop codon.
Molecular consequence: nonsense.
Genome position (GRCh38, 1-based): chr2:209,888,128, G>T. VCF-style: chr2-209888128-G-T. GRCh37 (hg19) VCF-style: chr2-210752852-G-T.
Other names: c.4150G>T, p.Glu1384Ter (NM_032504.2); c.4135G>T, p.Glu1379Ter (NM_182587.4); short protein forms E1384*, E1379*, E1382*.
Identifiers: ClinVar variation 431144 (VCV000431144.4), dbSNP rs981874506, ClinGen allele CA350749593.

ClinVar aggregate classification (germline): Pathogenic. Review status: criteria provided, single submitter (1 of 4 stars). 2 submissions from 2 submitters: Pathogenic (1). 1 of the submissions does not count toward it. Last evaluated 2017-01-06.

Conditions:
Hypotonia, infantile, with psychomotor retardation and characteristic facies 2 (IHPRF2). Also called: UNC80 Deficiency. Identifiers: Orphanet 371364, Orphanet 700333, MedGen C4225203, MONDO:0014777, OMIM 616801.

Submissions (2):

Groupe Hospitalier Pitie Salpetriere, Uf Genomique Du Developpement, Assistance Publique Hopitaux de Paris Sorbonne Université
Classification: Pathogenic for Hypotonia, infantile, with psychomotor retardation and characteristic facies 2. Last evaluated: 2017-01-06. Review status: criteria provided, single submitter. Criteria: ACMG Guidelines, 2015. Collection method: clinical testing. Allele origin: maternal. Affected: yes. Observed: 1 variant allele.
Comment: neonatal hypotonia; Intellectual disability, severe; dystonia; unintentional movements of upper limbs; normal CPK and lactates levels

Yale Center for Mendelian Genomics, Yale University
Classification: Pathogenic for Hypotonia, infantile, with psychomotor retardation and characteristic facies 2. Last evaluated: 2018-08-23. Review status: no assertion criteria provided. Collection method: literature only. Allele origin: germline. Affected: yes. Observed: 1 compound heterozygote. Not counted in ClinVar's aggregate classification.

Literature cited by the submitters: PubMed 28708303 (cited by Groupe Hospitalier Pitie Salpetriere, Uf Genomique Du Developpement, Assistance Publique Hopitaux de Paris Sorbonne Université); PubMed 30167850 (cited by Yale Center for Mendelian Genomics, Yale University).